The following is an entry in ClinVar:

NM_015122.3(FCHO1):c.2533C>A (p.Pro845Thr)

Gene: FCHO1 (FCH and mu domain containing endocytic adaptor 1; plus strand). Cytogenetic location: 19p13.11.
Variant type: single nucleotide variant.
Coding change: c.2533C>A on transcript NM_015122.3 (MANE Select); coding-DNA position 2533, C replaced by A.
Protein change: p.Pro845Thr; replaces proline 845 with threonine.
Molecular consequence: missense variant. On other transcripts: non-coding transcript variant (36).
Genome position (GRCh38, 1-based): chr19:17,787,732, C>A. VCF-style: chr19-17787732-C-A. GRCh37 (hg19) VCF-style: chr19-17898541-C-A.
Other names: c.2533C>A, p.Pro845Thr (NM_001161357.2, NM_001161358.2, NM_001384370.1 and 11 more transcripts); c.2383C>A, p.Pro795Thr (NM_001161359.2, NM_001384384.1, NM_001384385.1 and 1 more transcripts); c.2512C>A, p.Pro838Thr (NM_001384387.1); c.2494C>A, p.Pro832Thr (NM_001384388.1, NM_001384389.1); c.2458C>A, p.Pro820Thr (NM_001384390.1); c.2333C>A, p.Thr778Asn (NM_001384391.1); c.2416C>A, p.Pro806Thr (NM_001384392.1, NM_001384393.1, NM_001384394.1 and 1 more transcripts); c.2257C>A, p.Pro753Thr (NM_001384396.1, NM_001384397.1, NM_001384398.1 and 4 more transcripts); and 6 more; short protein forms P738T, P806T, T636N, P820T, T686N, T778N, P544T, P721T.
Identifiers: ClinVar variation 1524264 (VCV001524264.6), dbSNP rs752912429, ClinGen allele CA9300917.

ClinVar aggregate classification (germline): Uncertain significance. Review status: criteria provided, multiple submitters, no conflicts (2 of 4 stars). 2 submissions from 2 submitters: Uncertain significance (2). Last evaluated 2024-07-27.

Allele frequency attached by ClinVar (database versions not stated): gnomAD exomes below 0.00001; ExAC 0.00003.
gnomAD v4.1: 16 of 1,586,116 alleles (0.001%); highest among the groups gnomAD compares: South Asian, 0.018%; no homozygotes.

Submissions (2):

Ambry Genetics
Classification: Uncertain significance. Last evaluated: 2024-07-27. Review status: criteria provided, single submitter. Criteria: Ambry Variant Classification Scheme 2023. Collection method: clinical testing. Allele origin: germline.

Labcorp Genetics (formerly Invitae), Labcorp
Classification: Uncertain significance. Last evaluated: 2021-09-01. Review status: criteria provided, single submitter. Criteria: Invitae Variant Classification Sherloc (09022015). Collection method: clinical testing. Allele origin: germline.
Comment: This sequence change replaces proline with threonine at codon 845 of the FCHO1 protein (p.Pro845Thr). The proline residue is highly conserved and there is a small physicochemical difference between proline and threonine. This variant is present in population databases (rs752912429, ExAC 0.01%). This variant has not been reported in the literature in individuals affected with FCHO1-related conditions. Algorithms developed to predict the effect of missense changes on protein structure and function are either unavailable or do not agree on the potential impact of this missense change (SIFT: "Deleterious"; PolyPhen-2: "Probably Damaging"; Align-GVGD: "Class C0"). In summary, the available evidence is currently insufficient to determine the role of this variant in disease. Therefore, it has been classified as a Variant of Uncertain Significance.